The following is an entry in ClinVar:

NM_001099287.1(NIPAL4):c.-41C>T

Genes: NIPAL4 (NIPA like domain containing 4; plus strand), NIPAL4-DT (NIPAL4 divergent transcript; minus strand). Cytogenetic location: 5q33.3.
Variant type: single nucleotide variant.
Coding change: c.-41C>T on transcript NM_001099287.1; 41 bases upstream of the start codon, C replaced by T.
Molecular consequence: non-coding transcript variant (on NR_136204.1).
Genome position (GRCh38, 1-based): chr5:157,460,094, C>T. VCF-style: chr5-157460094-C-T. GRCh37 (hg19) VCF-style: chr5-156887102-C-T.
Identifiers: ClinVar variation 352503 (VCV000352503.7), dbSNP rs555788817, ClinGen allele CA3534462.
Genomic context (GRCh38, chr5:157,460,094, plus strand): 5'-CTCCAGAGCTGGGAGCCTGGCAGCGTCCTCACCCCAGGAAGGCATGCGCCCCTCTGCGGG[C>T]GGCCCCAGCCCTGGGCCCCCTGCCCCCGGAATTGCCCAAGATGCCGGGTGACTCCTCCCC-3'

ClinVar aggregate classification (germline): Likely benign (1 of 4 stars; one submission).

Conditions:
Autosomal recessive congenital ichthyosis 6 (ARCI6). Identifiers: Orphanet 313, Orphanet 79394, MedGen C2677065, MONDO:0012847, OMIM 612281.

Allele frequency attached by ClinVar (database versions not stated): gnomAD exomes 0.00219; 1000 Genomes Project 30x 0.00375; ExAC 0.00251; 1000 Genomes Project 0.00499; TOPMed 0.00005; gnomAD 0.00022.

Submission:

Illumina Laboratory Services, Illumina
Classification: Likely benign for Autosomal recessive congenital ichthyosis 6. Last evaluated: 2018-01-13. Review status: criteria provided, single submitter. Criteria: ICSL Variant Classification Criteria 13 December 2019. Collection method: clinical testing. Allele origin: germline.
Comment: This variant was observed in the ICSL laboratory as part of a predisposition screen in an ostensibly healthy population. It had not been previously curated by ICSL or reported in the Human Gene Mutation Database (HGMD: prior to June 1st, 2018), and was therefore a candidate for classification through an automated scoring system. Utilizing variant allele frequency, disease prevalence and penetrance estimates, and inheritance mode, an automated score was calculated to assess if this variant is too frequent to cause the disease. Based on the score and internal cut-off values, a variant classified as likely benign is not then subjected to further curation. The score for this variant resulted in a classification of likely benign for this disease.